The following is an entry in ClinVar:

NM_006270.5(RRAS):c.454-10C>G

Gene: RRAS (RAS related; minus strand). Cytogenetic location: 19q13.33.
Variant type: single nucleotide variant.
Coding change: c.454-10C>G on transcript NM_006270.5 (MANE Select); 10 bases into the intron before coding-DNA position 454, C replaced by G.
Molecular consequence: intron variant.
Genome position (GRCh38, 1-based): chr19:49,635,862, G>C on the plus strand (C>G on the coding strand, the complement: RRAS is on the minus strand). VCF-style: chr19-49635862-G-C. GRCh37 (hg19) VCF-style: chr19-50139119-G-C.
Identifiers: ClinVar variation 496318 (VCV000496318.16), dbSNP rs731861, ClinGen allele CA9578992.

ClinVar aggregate classification (germline): Benign. Review status: criteria provided, multiple submitters, no conflicts (2 of 4 stars). 5 submissions from 5 submitters: Benign (5). Last evaluated 2026-02-04.

Conditions:
Noonan syndrome (NS). Also called: Noonan's syndrome. Identifiers: Orphanet 648, MedGen C0028326, MeSH D009634, MONDO:0018997. Disease mechanism: gain of function.

Allele frequency attached by ClinVar (database versions not stated): gnomAD exomes 0.17145 and 0.22523; gnomAD 0.23663 and 0.23735; ESP Exome Variant Server 0.24229; 1000 Genomes Project 0.25060; 1000 Genomes Project 30x 0.25219; ExAC 0.35639.
gnomAD v4.1: 200,715 of 1,113,024 alleles (18%); highest among the groups gnomAD compares: African/African-American, 33%; 21,363 homozygotes.

Submissions (6):

Labcorp Genetics (formerly Invitae), Labcorp
Classification: Benign for Noonan syndrome. Last evaluated: 2026-02-04. Review status: criteria provided, single submitter. Criteria: Invitae Variant Classification Sherloc (09022015). Collection method: clinical testing. Allele origin: germline.

Blueprint Genetics
Classification: Benign. Last evaluated: 2024-11-28. Review status: criteria provided, single submitter. Criteria: ACMG Guidelines, 2015. Collection method: clinical testing. Allele origin: germline.

GeneDx
Classification: Benign. Last evaluated: 2018-10-09. Review status: criteria provided, single submitter. Criteria: GeneDx Variant Classification Process June 2021. Collection method: clinical testing. Allele origin: germline. Affected: yes.

Women's Health and Genetics/Laboratory Corporation of America, LabCorp
Classification: Benign. Last evaluated: 2017-04-11. Review status: criteria provided, single submitter. Criteria: LabCorp Variant Classification Summary - May 2015. Collection method: clinical testing. Allele origin: germline.
Comment: Variant summary: The RRAS c.454-10C>G variant involves the alteration of a non-conserved intronic nucleotide. Mutation taster predicts a benign outcome for this variant. 5/5 splice prediction tools predict no significant impact on normal splicing. This variant was found in 18436/51730 control chromosomes (including 2409 homozygotes) from ExAC at a frequency of 0.3563889, which is approximately 142555 times the estimated maximal expected allele frequency of a pathogenic RRAS variant (0.0000025), thus this variant is a common benign polymorphism. Therefore, this variant is classified as Benign.

Breakthrough Genomics
Classification: Benign. Review status: criteria provided, single submitter. Criteria: ACMG Guidelines, 2015. Collection method: not provided. Allele origin: germline. Inheritance: Unknown mechanism. Affected: yes.

Dr. Peter K. Rogan Lab, Western University
No classification provided (evidence only). Condition: Malignant lymphoma, large B-cell, diffuse. Review status: no classification provided. Collection method: in vitro. Allele origin: not applicable. Functional consequence: retained intron. Not counted in ClinVar's aggregate classification.